The following is an entry in ClinVar:

NM_020778.5(ALPK3):c.1552C>A (p.Pro518Thr)

Genes: ALPK3 (alpha kinase 3; plus strand), LOC111718493 (skeletal muscle cis-regulatory module overlapping ALPK3; plus strand). Cytogenetic location: 15q25.3.
Variant type: single nucleotide variant.
Coding change: c.1552C>A on transcript NM_020778.5 (MANE Select); coding-DNA position 1552, C replaced by A.
Protein change: p.Pro518Thr; replaces proline 518 with threonine.
Molecular consequence: missense variant.
Genome position (GRCh38, 1-based): chr15:84,840,831, C>A. VCF-style: chr15-84840831-C-A. GRCh37 (hg19) VCF-style: chr15-85384062-C-A.
Other names: short protein forms P518T.
Identifiers: ClinVar variation 2000901 (VCV002000901.4), dbSNP rs763664653, ClinGen allele CA393375912.

ClinVar aggregate classification (germline): Uncertain significance (1 of 4 stars; one submission).

Submission:

Labcorp Genetics (formerly Invitae), Labcorp
Classification: Uncertain significance. Last evaluated: 2022-05-30. Review status: criteria provided, single submitter. Criteria: Invitae Variant Classification Sherloc (09022015). Collection method: clinical testing. Allele origin: germline.
Comment: In summary, the available evidence is currently insufficient to determine the role of this variant in disease. Therefore, it has been classified as a Variant of Uncertain Significance. Algorithms developed to predict the effect of missense changes on protein structure and function output the following: SIFT: "Tolerated"; PolyPhen-2: "Benign"; Align-GVGD: "Class C0". The threonine amino acid residue is found in multiple mammalian species, which suggests that this missense change does not adversely affect protein function. This variant has not been reported in the literature in individuals affected with ALPK3-related conditions. This variant is not present in population databases (gnomAD no frequency). This sequence change replaces proline, which is neutral and non-polar, with threonine, which is neutral and polar, at codon 720 of the ALPK3 protein (p.Pro720Thr).